The following is an entry in ClinVar:

NM_001267550.2(TTN):c.12826C>T (p.Gln4276Ter)

Gene: TTN (titin; minus strand). Cytogenetic location: 2q31.2.
Variant type: single nucleotide variant.
Coding change: c.12826C>T on transcript NM_001267550.2 (MANE Select); coding-DNA position 12826, C replaced by T.
Protein change: p.Gln4276Ter; replaces glutamine 4276 with a stop codon.
Molecular consequence: nonsense. On other transcripts: intron variant (1).
Genome position (GRCh38, 1-based): chr2:178,740,407, G>A on the plus strand (C>T on the coding strand, the complement: TTN is on the minus strand). VCF-style: chr2-178740407-G-A. GRCh37 (hg19) VCF-style: chr2-179605134-G-A.
Other names: c.11875C>T, p.Gln3959Ter (NM_001256850.1); c.11737C>T, p.Gln3913Ter (NM_003319.4); c.12112C>T, p.Gln4038Ter (NM_133432.3); c.12313C>T, p.Gln4105Ter (NM_133437.4); c.10361-2047C>T (NM_133378.4); short protein forms Q3913*, Q3959*, Q4105*, Q4038*, Q4276*.
Identifiers: ClinVar variation 4615321 (VCV004615321.1).

ClinVar aggregate classification (germline): Likely pathogenic (1 of 4 stars; one submission).

Conditions:
Cardiovascular phenotype. Identifiers: MedGen CN230736.

Submission:

Ambry Genetics
Classification: Likely pathogenic for Cardiovascular phenotype. Last evaluated: 2025-10-08. Review status: criteria provided, single submitter. Criteria: Ambry Variant Classification Scheme 2023. Collection method: clinical testing. Allele origin: germline.
Comment: The p.Q3913* variant (also known as c.11737C>T), located in coding exon 44 of the TTN gene, results from a C to T substitution at nucleotide position 11737. This changes the amino acid from a glutamine to a stop codon within coding exon 44. This exon is located in the I-band region of the N2-B isoform of the titin protein and is constitutively expressed in TTN transcripts (percent spliced in or PSI 100%). This variant was reported in individual(s) with features consistent with dilated cardiomyopathy (Ambry internal data). This variant is considered to be rare based on population cohorts in the Genome Aggregation Database (gnomAD). This variant is expected to result in loss of function by premature protein truncation or nonsense-mediated mRNA decay. While truncating variants in TTN are present in 1-3% of the general population, truncating variants in the A-band are the most common cause of dilated cardiomyopathy (Herman DS et al. N. Engl. J. Med., 2012 Feb;366:619-28; Roberts AM et al. Sci Transl Med, 2015 Jan;7:270ra6). TTN truncating variants encoded in constitutive exons (PSI >90%) have been found to be significantly associated with DCM regardless of their position in titin (Schafer S et al. Nat. Genet., 2017 01;49:46-53; Akhtar MM et al. Circ Heart Fail, 2020 Oct;13:e006832; Massier M et al. Clin Genet, 2025 Jan). Based on the majority of available evidence to date, this variant is likely to be pathogenic.